The following is an entry in ClinVar:

ClinVar aggregate classification (germline): Conflicting classifications of pathogenicity. Review status: criteria provided, conflicting classifications (1 of 4 stars). 6 submissions from 6 submitters: Uncertain significance (2); Likely benign (3). 1 of the submissions does not count toward it. Last evaluated 2025-09-03.

Conditions:
HEPACAM-related disorder. Also called: HEPACAM-related condition.
Inborn genetic diseases. Identifiers: MedGen C0950123, MeSH D030342.

Allele frequency attached by ClinVar (database versions not stated): gnomAD 0.00015; 1000 Genomes Project 30x 0.00016.

Submissions (6):

Labcorp Genetics (formerly Invitae), Labcorp
Classification: Likely benign. Last evaluated: 2025-09-03. Review status: criteria provided, single submitter. Criteria: Invitae Variant Classification Sherloc (09022015). Collection method: clinical testing. Allele origin: germline.

CeGaT Center for Human Genetics Tuebingen
Classification: Likely benign. Last evaluated: 2025-05-01. Review status: criteria provided, single submitter. Criteria: CeGaT Center For Human Genetics Tuebingen Variant Classification Criteria Version 2. Collection method: clinical testing. Allele origin: germline. Affected: yes. Observed: 1 variant allele.
Comment: HEPACAM: BS2

Blueprint Genetics
Classification: Uncertain significance. Last evaluated: 2024-11-26. Review status: criteria provided, single submitter. Criteria: ACMG Guidelines, 2015. Collection method: clinical testing. Allele origin: germline.

Ambry Genetics
Classification: Likely benign for Inborn genetic diseases. Last evaluated: 2023-02-07. Review status: criteria provided, single submitter. Criteria: Ambry Variant Classification Scheme 2023. Collection method: clinical testing. Allele origin: germline.

Revvity Omics, Revvity
Classification: Uncertain significance. Last evaluated: 2019-11-14. Review status: criteria provided, single submitter. Criteria: ACMG Guidelines, 2015. Collection method: clinical testing. Allele origin: germline.

PreventionGenetics, part of Exact Sciences
Classification: Likely benign for HEPACAM-related condition. Last evaluated: 2023-12-11. Review status: no assertion criteria provided. Collection method: clinical testing. Allele origin: germline. Not counted in ClinVar's aggregate classification.
Comment: This variant is classified as likely benign based on ACMG/AMP sequence variant interpretation guidelines (Richards et al. 2015 PMID: 25741868, with internal and published modifications).

NM_152722.5(HEPACAM):c.1166G>A (p.Arg389His)

Gene: HEPACAM (hepatic and glial cell adhesion molecule; minus strand). Cytogenetic location: 11q24.2.
Variant type: single nucleotide variant.
Coding change: c.1166G>A on transcript NM_152722.5 (MANE Select); coding-DNA position 1166, G replaced by A.
Protein change: p.Arg389His; replaces arginine 389 with histidine.
Molecular consequence: missense variant.
Genome position (GRCh38, 1-based): chr11:124,921,223, C>T on the plus strand (G>A on the coding strand, the complement: HEPACAM is on the minus strand). VCF-style: chr11-124921223-C-T. GRCh37 (hg19) VCF-style: chr11-124791119-C-T.
Other names: c.1166G>A (NM_152722.4); c.1322G>A, p.Arg441His (NM_001411043.1); short protein forms R389H, R441H.
Identifiers: ClinVar variation 2149686 (VCV002149686.22), dbSNP rs372070386, ClinGen allele CA6345544.
Genomic context (GRCh38, chr11:124,921,223, plus strand): 5'-GCCTCGTCTTGCTCGCGGATTATGTGCACGCCCGCAGTCCGCAGTGTGCGCGAGGCGCTG[C>T]GCGAGCGGCCGGGCGAGCTCGGGGCCCTGGGCGGCGACGAGTGTGTCCGGCCGGTGGCTG-3'
Protein context (NP_689935.2, residues 379-399): PRAPSSPGRS[Arg389His]SASRTLRTAG